The following is an entry in ClinVar:

ClinVar aggregate classification (germline): Pathogenic. Review status: criteria provided, multiple submitters, no conflicts (2 of 4 stars). 4 submissions from 4 submitters: Pathogenic (4). Last evaluated 2026-04-13.

Conditions:
Hereditary cancer-predisposing syndrome. Also called: Tumor predisposition; Hereditary neoplastic syndrome; Neoplastic Syndromes, Hereditary; Hereditary Cancer Syndrome. Identifiers: Orphanet 140162, MedGen C0027672, MeSH D009386, MONDO:0015356.
Familial prostate cancer. Also called: Hereditary Prostate Cancer. Identifiers: MedGen C2931456, MONDO:0700275, OMIM 176807.
Familial cancer of breast. Also called: Hereditary breast cancer; hereditary breast carcinoma; BREAST CANCER, FAMILIAL. Identifiers: Orphanet 227535, MedGen C0346153, MONDO:0016419, OMIM 114480. Disease mechanism: loss of function.

Submissions (4):

Women's Health and Genetics/Laboratory Corporation of America, LabCorp
Classification: Pathogenic for Familial prostate cancer. Last evaluated: 2026-04-13. Review status: criteria provided, single submitter. Criteria: LabCorp Variant Classification Summary - May 2015. Collection method: clinical testing. Allele origin: germline.
Comment: Variant summary: CHEK2 c.985delT (p.Tyr329ThrfsX20) results in a premature termination codon, predicted to cause a truncation of the encoded protein or absence of the protein due to nonsense mediated decay, which are commonly known mechanisms for disease. The variant was absent in 251476 control chromosomes. To our knowledge, no occurrence of c.985delT in individuals affected with CHEK2-related conditions and no experimental evidence demonstrating its impact on protein function have been reported. ClinVar contains an entry for this variant (Variation ID: 570998). Based on the evidence outlined above, the variant was classified as pathogenic.

Myriad Genetics, Inc.
Classification: Pathogenic for Familial cancer of breast. Last evaluated: 2023-06-27. Review status: criteria provided, single submitter. Criteria: Myriad Autosomal Dominant, Autosomal Recessive and X-Linked Classification Criteria (2023). Collection method: clinical testing. Allele origin: unknown.
Comment: This variant is considered pathogenic. This variant creates a frameshift predicted to result in premature protein truncation.

Labcorp Genetics (formerly Invitae), Labcorp
Classification: Pathogenic for Familial cancer of breast. Last evaluated: 2021-06-24. Review status: criteria provided, single submitter. Criteria: Invitae Variant Classification Sherloc (09022015). Collection method: clinical testing. Allele origin: germline.
Comment: For these reasons, this variant has been classified as Pathogenic. Loss-of-function variants in CHEK2 are known to be pathogenic (PMID: 21876083, 24713400). This variant has not been reported in the literature in individuals with CHEK2-related conditions. ClinVar contains an entry for this variant (Variation ID: 570998). This variant is not present in population databases (ExAC no frequency). This sequence change creates a premature translational stop signal (p.Tyr329Thrfs*20) in the CHEK2 gene. It is expected to result in an absent or disrupted protein product.

Ambry Genetics
Classification: Pathogenic for Hereditary cancer-predisposing syndrome. Last evaluated: 2020-08-12. Review status: criteria provided, single submitter. Criteria: Ambry Variant Classification Scheme 2023. Collection method: clinical testing. Allele origin: germline.
Comment: The c.985delT pathogenic mutation, located in coding exon 8 of the CHEK2 gene, results from a deletion of one nucleotide at nucleotide position 985, causing a translational frameshift with a predicted alternate stop codon (p.Y329Tfs*20). This alteration is expected to result in loss of function by premature protein truncation or nonsense-mediated mRNA decay. As such, this alteration is interpreted as a disease-causing mutation.

Literature cited by the submitters: PubMed 21876083 (cited by Labcorp Genetics (formerly Invitae), Labcorp); PubMed 24713400 (cited by Labcorp Genetics (formerly Invitae), Labcorp).

NM_007194.4(CHEK2):c.985del (p.Tyr329fs)

Gene: CHEK2 (checkpoint kinase 2; minus strand). Cytogenetic location: 22q12.1.
Variant type: Deletion.
Coding change: c.985del on transcript NM_007194.4 (MANE Select); coding-DNA position 985, one base deleted (T; older notation c.985delT).
Protein change: p.Tyr329fs; shifts the reading frame from tyrosine 329.
Molecular consequence: frameshift variant.
Genome position (GRCh38, 1-based): chr22:28,699,861, A deleted on the plus strand (T on the coding strand, the reverse complement: CHEK2 is on the minus strand); the first of 5 consecutive A bases (chr22:28,699,861-28,699,865); deleting any one gives the same sequence. VCF-style (leftmost placement, unchanged base first): chr22-28699860-TA-T. GRCh37 (hg19) VCF-style: chr22-29095848-TA-T.
Other names: c.985delT (NM_007194.4); c.1110delT, p.Tyr372Thrfs (NM_001005735.3); c.318delT, p.Tyr108Thrfs (NM_001257387.3); c.780delT, p.Tyr262Thrfs (NM_001349956.3); c.981delT, p.Tyr329Thrfs (NM_145862.3); short protein forms Y372fs, Y108fs, Y262fs, Y329fs.
Identifiers: ClinVar variation 570998 (VCV000570998.12), dbSNP rs1569121048, ClinGen allele CA891844292.